The following is an entry in ClinVar:

NM_000187.4(HGD):c.504G>C (p.Glu168Asp)

Gene: HGD (homogentisate 1,2-dioxygenase; minus strand). Cytogenetic location: 3q13.33.
Variant type: single nucleotide variant.
Coding change: c.504G>C on transcript NM_000187.4 (MANE Select); coding-DNA position 504, G replaced by C.
Protein change: p.Glu168Asp; replaces glutamic acid 168 with aspartic acid.
Molecular consequence: missense variant.
Genome position (GRCh38, 1-based): chr3:120,647,018, C>G on the plus strand (G>C on the coding strand, the complement: HGD is on the minus strand). VCF-style: chr3-120647018-C-G. GRCh37 (hg19) VCF-style: chr3-120365865-C-G.
Other names: short protein forms E168D.
Identifiers: ClinVar variation 2626845 (VCV002626845.4), dbSNP rs780173554, ClinGen allele CA2560172.
Genomic context (GRCh38, chr3:120,647,018, plus strand): 5'-GGACACATCACCAACCTGAATGACGCAGATCTCATTGGGCTGTACAAGCATCTTGCCAAA[C>G]TCGGTGTAAATGAGAAGGTTCCCTTTCTGCGGAACTGACAAAAAAAGACAGGGCAGTGGT-3'
Protein context (NP_000178.2, residues 158-178): PQKGNLLIYT[Glu168Asp]FGKMLVQPNE

ClinVar aggregate classification (germline): Pathogenic/Likely pathogenic. Review status: criteria provided, multiple submitters, no conflicts (2 of 4 stars). 4 submissions from 4 submitters: Pathogenic (1); Likely pathogenic (2). 1 of the submissions does not count toward it. Last evaluated 2025-09-15.

Conditions:
Alkaptonuria (AKU). Also called: Alcaptonuria; HOMOGENTISIC ACID OXIDASE DEFICIENCY; Homogentisic acidura; Alkaptonuric ochronosis. Identifiers: Orphanet 56, MedGen C0002066, MONDO:0008753, OMIM 203500.

Allele frequency attached by ClinVar (database versions not stated): ExAC 0.00001; gnomAD 0.00001; gnomAD exomes 0.00001; TOPMed 0.00001.
gnomAD v4.1: 8 of 1,613,972 alleles (0.0005%); highest among the groups gnomAD compares: East Asian, 0.013%; no homozygotes.

Submissions (4):

Myriad Genetics, Inc.
Classification: Likely pathogenic for Alkaptonuria. Last evaluated: 2025-09-15. Review status: criteria provided, single submitter. Criteria: Myriad Autosomal Dominant, Autosomal Recessive and X-Linked Classification Criteria (2023). Collection method: clinical testing. Allele origin: unknown.
Comment: NM_000187.3(HGD):c.504G>C(E168D) is a missense variant classified as likely pathogenic in the context of alkaptonuria. E168D has been observed in cases with relevant disease (PMID: 19862842, 32212000). Relevant functional assessments of this variant are not available in the literature. E168D has been observed in referenced population frequency databases. In summary, NM_000187.3(HGD):c.504G>C(E168D) is a missense variant in a gene where loss of function is a known mechanism of disease, is predicted to disrupt protein function, and has been observed more frequently in cases with the relevant disease than in healthy populations. Please note: this variant was assessed in the context of healthy population screening.

Fulgent Genetics
Classification: Likely pathogenic for Alkaptonuria. Last evaluated: 2024-04-30. Review status: criteria provided, single submitter. Criteria: ACMG Guidelines, 2015. Collection method: clinical testing. Allele origin: germline.

Women's Health and Genetics/Laboratory Corporation of America, LabCorp
Classification: Pathogenic for Alkaptonuria. Last evaluated: 2024-04-26. Review status: criteria provided, single submitter. Criteria: LabCorp Variant Classification Summary - May 2015. Collection method: clinical testing. Allele origin: germline.
Comment: Variant summary: HGD c.504G>C (p.Glu168Asp) results in a conservative amino acid change in the encoded protein sequence. Four of five in-silico tools predict a damaging effect of the variant on protein function. The variant allele was found at a frequency of 8e-06 in 251184 control chromosomes. c.504G>C has been reported in the literature in multiple individuals affected with Alkaptonuria (Phornphutkul_2002, Vilboux_2009, Danda_2020). These data indicate that the variant is very likely to be associated with disease. To our knowledge, no experimental evidence demonstrating an impact on protein function has been reported. The following publications have been ascertained in the context of this evaluation (PMID: 32212000, 12501223, 19862842). ClinVar contains an entry for this variant (Variation ID: 2626845). Based on the evidence outlined above, the variant was classified as pathogenic.

Department Of Human Genetics, Institute Of Clinical And Translational Research, Biomedical Research Center, Slovak Academy Of Sciences
Classification: Pathogenic for Alkaptonuria. Review status: no assertion criteria provided. Collection method: research. Allele origin: germline. Inheritance: Autosomal recessive inheritance. Affected: yes. Observed: 6 variant alleles. Not counted in ClinVar's aggregate classification.
Comment: The variant was originally described in AKU patient in PMID:12501223. It has been submitted to the HGD gene mutation database (DB-ID: AKU_00053).

Literature cited by the submitters: PubMed 19862842 (cited by Myriad Genetics, Inc. and Women's Health and Genetics/Laboratory Corporation of America, LabCorp); PubMed 32212000 (cited by Myriad Genetics, Inc. and Women's Health and Genetics/Laboratory Corporation of America, LabCorp); PubMed 12501223 (cited by Women's Health and Genetics/Laboratory Corporation of America, LabCorp and Department Of Human Genetics, Institute Of Clinical And Translational Research, Biomedical Research Center, Slovak Academy Of Sciences).